The following is an entry in ClinVar:

ClinVar aggregate classification (germline): Pathogenic (1 of 4 stars; one submission).

Conditions:
Nemaline myopathy 9 (NEM9). Identifiers: MedGen C3810384, MONDO:0014326, OMIM 615731.

Submission:

Labcorp Genetics (formerly Invitae), Labcorp
Classification: Pathogenic for Nemaline myopathy 9. Last evaluated: 2022-07-05. Review status: criteria provided, single submitter. Criteria: Invitae Variant Classification Sherloc (09022015). Collection method: clinical testing. Allele origin: germline.
Comment: This sequence change creates a premature translational stop signal (p.Lys436Serfs*5) in the KLHL41 gene. It is expected to result in an absent or disrupted protein product. Loss-of-function variants in KLHL41 are known to be pathogenic (PMID: 24268659). For these reasons, this variant has been classified as Pathogenic. ClinVar contains an entry for this variant (Variation ID: 1074897). This variant has not been reported in the literature in individuals affected with KLHL41-related conditions. This variant is not present in population databases (gnomAD no frequency).

Literature cited by the submitters: PubMed 24268659.

NM_006063.3(KLHL41):c.1307_1308del (p.Lys436fs)

Gene: KLHL41 (kelch like family member 41; plus strand). Cytogenetic location: 2q31.1.
Variant type: Deletion.
Coding change: c.1307_1308del on transcript NM_006063.3 (MANE Select); coding-DNA positions 1307 to 1308, 2 bases deleted (AA; older notation c.1307_1308delAA).
Protein change: p.Lys436fs; shifts the reading frame from lysine 436.
Molecular consequence: frameshift variant.
Genome position (GRCh38, 1-based): chr2:169,514,892-169,514,893, AA deleted; deleting any 2 consecutive bases within chr2:169,514,891-169,514,893 gives the same sequence; the c. name uses the placement nearest the transcript's 3' end. VCF-style (leftmost placement, unchanged base first): chr2-169514890-CAA-C. GRCh37 (hg19) VCF-style: chr2-170371400-CAA-C.
Other names: short protein forms K436fs.
Identifiers: ClinVar variation 1074897 (VCV001074897.7), dbSNP rs2105309832, ClinGen allele CA2499215251.
Genomic context (GRCh38, chr2:169,514,890, plus strand): 5'-AAATTCTGTCTCGTTTAATTTTAGGGCTGCAAAATGGAACGAAGTAAAAAAACTCCCTAT[CAA>C]AGTCTATGGCCATAATGTGATTTCACATAAAGGGATGATATATTGTCTAGGAGGAAAGAC-3'